The following is an entry in ClinVar:

NM_198428.3(BBS9):c.2424G>A (p.Leu808=)

Gene: BBS9 (Bardet-Biedl syndrome 9; plus strand). Cytogenetic location: 7p14.3.
Variant type: single nucleotide variant.
Coding change: c.2424G>A on transcript NM_198428.3 (MANE Select); coding-DNA position 2424, G replaced by A.
Protein change: p.Leu808=; no amino-acid change (leucine 808 retained).
Molecular consequence: synonymous variant. On other transcripts: non-coding transcript variant (3).
Genome position (GRCh38, 1-based): chr7:33,534,079, G>A. VCF-style: chr7-33534079-G-A. GRCh37 (hg19) VCF-style: chr7-33573691-G-A.
Other names: c.2409G>A, p.Leu803= (NM_001033605.2); c.2424G>A, p.Leu808= (NM_001348036.1, NM_001348041.4, NM_001348043.3 and 1 more transcripts); c.1875G>A, p.Leu625= (NM_001348037.3); c.2151G>A, p.Leu717= (NM_001348038.3); c.2046G>A, p.Leu682= (NM_001348039.3); c.2304G>A, p.Leu768= (NM_001348040.3, NM_014451.4); c.2289G>A, p.Leu763= (NM_001348042.3); c.1953G>A, p.Leu651= (NM_001348044.3); and 2 more.
Identifiers: ClinVar variation 4977309 (VCV004977309.1).
Genomic context (GRCh38, chr7:33,534,079, plus strand): 5'-TAAGGAGCAGGCTTTGAACCTCAACAGCCAGCTGAACATACCCAAAGACACAAGCCAACT[G>A]AAGAAACATATCACCTTGCTCTGCGATAGATTATCCAAAGGTGGCCGTCTCTGCCTAAGT-3'
Protein context (NP_940820.1, residues 798-818): QLNIPKDTSQ[Leu808=]KKHITLLCDR

ClinVar aggregate classification (germline): Likely benign (1 of 4 stars; one submission).

Conditions:
BBS9-related disorder. Also called: BBS9-related condition.

Submission:

PreventionGenetics, part of Exact Sciences
Classification: Likely benign for BBS9-related condition. Last evaluated: 2025-01-10. Review status: criteria provided, single submitter. Criteria: ACMG Guidelines, 2015. Collection method: clinical testing. Allele origin: germline.
Comment: This variant is classified as likely benign based on ACMG/AMP sequence variant interpretation guidelines (Richards et al. 2015 PMID: 25741868, with internal and published modifications).